The following is an entry in ClinVar:

ClinVar aggregate classification (germline): Uncertain significance (1 of 4 stars; one submission).

Conditions:
Ullrich congenital muscular dystrophy 2 (UCMD2). Identifiers: Orphanet 75840, MedGen C4225314, MONDO:0014654, OMIM 616470.
Bethlem myopathy 2 (BTHLM2). Identifiers: Orphanet 536516, Orphanet 610, MedGen C4225313, MONDO:0034022, OMIM 616471.

gnomAD v4.1: 7 of 1,613,146 alleles (0.00043%); highest among the groups gnomAD compares: Non-Finnish European, 0.00059%; no homozygotes.

Submission:

Labcorp Genetics (formerly Invitae), Labcorp
Classification: Uncertain significance for Bethlem myopathy 2; Ullrich congenital muscular dystrophy 2. Last evaluated: 2022-03-03. Review status: criteria provided, single submitter. Criteria: Invitae Variant Classification Sherloc (09022015). Collection method: clinical testing. Allele origin: germline.
Comment: This sequence change replaces lysine, which is basic and polar, with arginine, which is basic and polar, at codon 208 of the COL12A1 protein (p.Lys208Arg). This variant is not present in population databases (gnomAD no frequency). This variant has not been reported in the literature in individuals affected with COL12A1-related conditions. Algorithms developed to predict the effect of missense changes on protein structure and function are either unavailable or do not agree on the potential impact of this missense change (SIFT: "Deleterious"; PolyPhen-2: "Possibly Damaging"; Align-GVGD: "Class C0"). In summary, the available evidence is currently insufficient to determine the role of this variant in disease. Therefore, it has been classified as a Variant of Uncertain Significance.

NM_004370.6(COL12A1):c.623A>G (p.Lys208Arg)

Gene: COL12A1 (collagen type XII alpha 1 chain; minus strand). Cytogenetic location: 6q13.
Variant type: single nucleotide variant.
Coding change: c.623A>G on transcript NM_004370.6 (MANE Select); coding-DNA position 623, A replaced by G.
Protein change: p.Lys208Arg; replaces lysine 208 with arginine.
Molecular consequence: missense variant. On other transcripts: intron variant (1).
Genome position (GRCh38, 1-based): chr6:75,189,587, T>C on the plus strand (A>G on the coding strand, the complement: COL12A1 is on the minus strand). VCF-style: chr6-75189587-T-C. GRCh37 (hg19) VCF-style: chr6-75899303-T-C.
Other names: c.73+13133A>G (NM_080645.3); short protein forms K208R.
Identifiers: ClinVar variation 1523886 (VCV001523886.3), dbSNP rs2149475605, ClinGen allele CA364728613.